The following is an entry in ClinVar:

NM_000136.3(FANCC):c.250+220G>A

Gene: FANCC (FA complementation group C; minus strand). Cytogenetic location: 9q22.32.
Variant type: single nucleotide variant.
Coding change: c.250+220G>A on transcript NM_000136.3 (MANE Select); 220 bases into the intron after coding-DNA position 250, G replaced by A.
Molecular consequence: intron variant.
Genome position (GRCh38, 1-based): chr9:95,247,212, C>T on the plus strand (G>A on the coding strand, the complement: FANCC is on the minus strand). VCF-style: chr9-95247212-C-T. GRCh37 (hg19) VCF-style: chr9-98009494-C-T.
Other names: c.250+220G>A (NM_001243743.2, NM_001243744.2).
Identifiers: ClinVar variation 929804 (VCV000929804.2), dbSNP rs356667, ClinGen allele CA13099185.

ClinVar aggregate classification (germline): Benign. Review status: criteria provided, single submitter (1 of 4 stars). 2 submissions from 2 submitters: Benign (1). 1 of the submissions does not count toward it. Last evaluated 2019-08-19.

Allele frequency attached by ClinVar (database versions not stated): gnomAD 0.18637 and 0.19004; TOPMed 0.19363; 1000 Genomes Project 0.23802.
gnomAD v4.1: 28,465 of 149,502 alleles (19%); highest among the groups gnomAD compares: East Asian, 30%; 2,778 homozygotes.

Submissions (2):

GeneDx
Classification: Benign. Last evaluated: 2019-08-19. Review status: criteria provided, single submitter. Criteria: GeneDx Variant Classification Process June 2021. Collection method: clinical testing. Allele origin: germline. Affected: yes.

Leiden Open Variation Database
Classification: Uncertain significance. Last evaluated: 2020-02-28. Review status: no assertion criteria provided. Collection method: curation. Allele origin: germline. Affected: yes. Not counted in ClinVar's aggregate classification.
Comment: Curator: Arleen D. Auerbach. Submitter to LOVD: Arleen D. Auerbach.